The following is an entry in ClinVar:

NM_004817.4(TJP2):c.4_11dup (p.Gly5fs)

Gene: TJP2 (tight junction protein 2; plus strand). Cytogenetic location: 9q21.11.
Variant type: Duplication.
Coding change: c.4_11dup on transcript NM_004817.4 (MANE Select); coding-DNA positions 4 to 11, 8 bases duplicated (CCGGTGCG; older notation c.4_11dupCCGGTGCG).
Protein change: p.Gly5fs; shifts the reading frame from glycine 5.
Molecular consequence: frameshift variant, initiator codon variant. On other transcripts: intron variant (3).
Genome position (GRCh38, 1-based): chr9:69,174,376-69,174,383, CCGGTGCG duplicated; duplicating any 8 consecutive bases within chr9:69,174,375-69,174,383 gives the same sequence; the c. name uses the placement nearest the transcript's 3' end. VCF-style (leftmost placement, unchanged base first): chr9-69174374-T-TGCCGGTGC. GRCh37 (hg19) VCF-style: chr9-71789290-T-TGCCGGTGC.
Other names: c.4_11dup, p.Gly5fs (NM_001369872.1, NM_001369873.1, NM_201629.3); c.-10+22605_-10+22612dup (NM_001170414.2, NM_001369870.1); c.-127-10711_-127-10704dup (NM_001369871.1); short protein forms G5fs.
Identifiers: ClinVar variation 2888023 (VCV002888023.4), dbSNP rs1323771026, ClinGen allele CA588331585.

ClinVar aggregate classification (germline): Pathogenic/Likely pathogenic. Review status: criteria provided, multiple submitters, no conflicts (2 of 4 stars). 2 submissions from 2 submitters: Pathogenic (1); Likely pathogenic (1). Last evaluated 2026-05-07.

Conditions:
Cholestasis, progressive familial intrahepatic, 4. Identifiers: Orphanet 480483, Orphanet 79304, MedGen C2931067, MONDO:0014381, OMIM 615878.

Submissions (2):

Victorian Clinical Genetics Services, Murdoch Childrens Research Institute
Classification: Likely pathogenic for Cholestasis, progressive familial intrahepatic, 4. Last evaluated: 2026-05-07. Review status: criteria provided, single submitter. Criteria: ACMG Guidelines, 2015. Collection method: clinical testing. Allele origin: germline. Affected: no.
Comment: This variant is classified as Likely pathogenic. Evidence in support of pathogenic classification: Variant is predicted to result in a truncated protein (premature termination codon is located within the first 102 nucleotides of the coding sequence and is predicted to escape nonsense-mediated decay); Variant is present in gnomAD <0.01 for a recessive condition (v4: 10 heterozygote(s), 0 homozygote(s)); This variant has limited previous evidence of pathogenicity in unrelated individual(s). This variant has been classified once as pathogenic by a clinical laboratory in ClinVar. This variant has been reported in an individual with gallstone disease (PMID: 37208429). Additional information: This variant is heterozygous; This gene is associated with autosomal recessive disease; No published evidence of segregation with disease has been identified for this variant; No published functional evidence has been identified for this variant; No comparable duplication variants have previous evidence for pathogenicity; Loss of function is a known mechanism of disease in this gene and is associated with cholestasis, progressive familial intrahepatic 4 (MIM#615878) and hypercholanaemia, familial (MIM#607748) (PMID: 24614073); Variants in this gene are known to have variable expressivity in individuals with cholestasis (PMID: 32089630).

Labcorp Genetics (formerly Invitae), Labcorp
Classification: Pathogenic. Last evaluated: 2023-11-19. Review status: criteria provided, single submitter. Criteria: Invitae Variant Classification Sherloc (09022015). Collection method: clinical testing. Allele origin: germline.
Comment: This sequence change creates a premature translational stop signal (p.Gly5Argfs*26) in the TJP2 gene. It is expected to result in an absent or disrupted protein product. Loss-of-function variants in TJP2 are known to be pathogenic (PMID: 24614073, 25921221, 28039895). This variant is present in population databases (no rsID available, gnomAD 0.009%). This variant has not been reported in the literature in individuals affected with TJP2-related conditions. For these reasons, this variant has been classified as Pathogenic.

Literature cited by the submitters: PubMed 37208429 (cited by Victorian Clinical Genetics Services, Murdoch Childrens Research Institute); PubMed 24614073 (cited by Victorian Clinical Genetics Services, Murdoch Childrens Research Institute and Labcorp Genetics (formerly Invitae), Labcorp); PubMed 32089630 (cited by Victorian Clinical Genetics Services, Murdoch Childrens Research Institute); PubMed 25921221 (cited by Labcorp Genetics (formerly Invitae), Labcorp); PubMed 28039895 (cited by Labcorp Genetics (formerly Invitae), Labcorp).